The following is an entry in ClinVar:

NM_015213.4(DENND5A):c.2101C>G (p.Arg701Gly)

Genes: DENND5A (DENN domain containing 5A; minus strand), LOC126861134 (CDK7 strongly-dependent group 2 enhancer GRCh37_chr11:9190693-9191892; plus strand). Cytogenetic location: 11p15.4.
Variant type: single nucleotide variant.
Coding change: c.2101C>G on transcript NM_015213.4 (MANE Select); coding-DNA position 2101, C replaced by G.
Protein change: p.Arg701Gly; replaces arginine 701 with glycine.
Molecular consequence: missense variant. On other transcripts: non-coding transcript variant (1).
Genome position (GRCh38, 1-based): chr11:9,169,906, G>C on the plus strand (C>G on the coding strand, the complement: DENND5A is on the minus strand). VCF-style: chr11-9169906-G-C. GRCh37 (hg19) VCF-style: chr11-9191453-G-C.
Other names: c.2101C>G, p.Arg701Gly (NM_001243254.2, NM_001348748.1); c.2029C>G, p.Arg677Gly (NM_001348749.2); c.1813C>G, p.Arg605Gly (NM_001348750.2); short protein forms R677G, R605G, R701G.
Identifiers: ClinVar variation 2120545 (VCV002120545.4), dbSNP rs758183835, ClinGen allele CA379611465.

ClinVar aggregate classification (germline): Uncertain significance (1 of 4 stars; one submission).

Submission:

Labcorp Genetics (formerly Invitae), Labcorp
Classification: Uncertain significance. Last evaluated: 2022-04-01. Review status: criteria provided, single submitter. Criteria: Invitae Variant Classification Sherloc (09022015). Collection method: clinical testing. Allele origin: germline.
Comment: This sequence change replaces arginine, which is basic and polar, with glycine, which is neutral and non-polar, at codon 701 of the DENND5A protein (p.Arg701Gly). This variant is not present in population databases (gnomAD no frequency). This variant has not been reported in the literature in individuals affected with DENND5A-related conditions. Algorithms developed to predict the effect of missense changes on protein structure and function (SIFT, PolyPhen-2, Align-GVGD) all suggest that this variant is likely to be tolerated. In summary, the available evidence is currently insufficient to determine the role of this variant in disease. Therefore, it has been classified as a Variant of Uncertain Significance.